The following is an entry in ClinVar:

NM_024675.4(PALB2):c.442_457dup (p.Arg153fs)

Gene: PALB2 (partner and localizer of BRCA2; minus strand). Cytogenetic location: 16p12.2.
Variant type: Duplication.
Coding change: c.442_457dup on transcript NM_024675.4 (MANE Select); coding-DNA positions 442 to 457, 16 bases duplicated (AAGAAGCAGCAGAAGA).
Protein change: p.Arg153fs; shifts the reading frame from arginine 153.
Molecular consequence: frameshift variant.
Genome position (GRCh38, 1-based): chr16:23,636,089-23,636,104, TCTTCTGCTGCTTCTT duplicated on the plus strand (AAGAAGCAGCAGAAGA on the coding strand, the reverse complement: PALB2 is on the minus strand); duplicating any 16 consecutive bases within chr16:23,636,089-23,636,113 gives the same sequence; the c. name uses the placement nearest the transcript's 3' end. VCF-style (leftmost placement, unchanged base first): chr16-23636088-C-CTCTTCTGCTGCTTCTT. GRCh37 (hg19) VCF-style: chr16-23647409-C-CTCTTCTGCTGCTTCTT.
Other names: c.442_457dupAAGAAGCAGCAGAAGA (NM_024675.3); short protein forms R153fs.
Identifiers: ClinVar variation 461004 (VCV000461004.13), dbSNP rs1555461790, ClinGen allele CA658658445.

ClinVar aggregate classification (germline): Pathogenic. Review status: criteria provided, multiple submitters, no conflicts (2 of 4 stars). 3 submissions from 3 submitters: Pathogenic (3). Last evaluated 2023-09-06.

Conditions:
Familial cancer of breast. Also called: BREAST CANCER, FAMILIAL; Hereditary breast cancer; hereditary breast carcinoma. Identifiers: Orphanet 227535, MedGen C0346153, MONDO:0016419, OMIM 114480. Disease mechanism: loss of function.
Hereditary cancer-predisposing syndrome. Also called: Neoplastic Syndromes, Hereditary; Hereditary Cancer Syndrome; Hereditary neoplastic syndrome; Tumor predisposition. Identifiers: Orphanet 140162, MedGen C0027672, MeSH D009386, MONDO:0015356.

Submissions (3):

Myriad Genetics, Inc.
Classification: Pathogenic for Familial cancer of breast. Last evaluated: 2023-09-06. Review status: criteria provided, single submitter. Criteria: Myriad Autosomal Dominant, Autosomal Recessive and X-Linked Classification Criteria (2023). Collection method: clinical testing. Allele origin: unknown.
Comment: This variant is considered pathogenic. This variant creates a frameshift predicted to result in premature protein truncation.

Labcorp Genetics (formerly Invitae), Labcorp
Classification: Pathogenic for Familial cancer of breast. Last evaluated: 2023-06-16. Review status: criteria provided, single submitter. Criteria: Invitae Variant Classification Sherloc (09022015). Collection method: clinical testing. Allele origin: germline.
Comment: ClinVar contains an entry for this variant (Variation ID: 461004). This sequence change creates a premature translational stop signal (p.Arg153Lysfs*20) in the PALB2 gene. It is expected to result in an absent or disrupted protein product. Loss-of-function variants in PALB2 are known to be pathogenic (PMID: 17200668, 17200671, 17200672, 24136930, 25099575). This variant is not present in population databases (gnomAD no frequency). This variant has not been reported in the literature in individuals affected with PALB2-related conditions. For these reasons, this variant has been classified as Pathogenic.

Ambry Genetics
Classification: Pathogenic for Hereditary cancer-predisposing syndrome. Last evaluated: 2022-05-13. Review status: criteria provided, single submitter. Criteria: Ambry Variant Classification Scheme 2023. Collection method: clinical testing. Allele origin: germline.
Comment: The c.442_457dup16 variant, located in coding exon 4 of the PALB2 gene, results from a duplication of AAGAAGCAGCAGAAGA at nucleotide position 442, causing a translational frameshift with a predicted alternate stop codon (p.R153Kfs*20). This alteration is expected to result in loss of function by premature protein truncation or nonsense-mediated mRNA decay. As such, this alteration is interpreted as a disease-causing mutation.

Literature cited by the submitters: PubMed 17200668 (cited by Labcorp Genetics (formerly Invitae), Labcorp); PubMed 17200671 (cited by Labcorp Genetics (formerly Invitae), Labcorp); PubMed 17200672 (cited by Labcorp Genetics (formerly Invitae), Labcorp); PubMed 24136930 (cited by Labcorp Genetics (formerly Invitae), Labcorp); PubMed 25099575 (cited by Labcorp Genetics (formerly Invitae), Labcorp).